The following is an entry in ClinVar:

NM_182931.3(KMT2E):c.1313A>G (p.Lys438Arg)

Gene: KMT2E (lysine methyltransferase 2E (inactive); plus strand). Cytogenetic location: 7q22.3.
Variant type: single nucleotide variant.
Coding change: c.1313A>G on transcript NM_182931.3 (MANE Select); coding-DNA position 1313, A replaced by G.
Protein change: p.Lys438Arg; replaces lysine 438 with arginine.
Molecular consequence: missense variant.
Genome position (GRCh38, 1-based): chr7:105,081,752, A>G. VCF-style: chr7-105081752-A-G. GRCh37 (hg19) VCF-style: chr7-104722199-A-G.
Other names: c.1313A>G, p.Lys438Arg (NM_001410908.1, NM_018682.4); c.1313A>G (NM_182931.2); short protein forms K438R.
Identifiers: ClinVar variation 2201304 (VCV002201304.5), dbSNP rs201969329, ClinGen allele CA4423962.

ClinVar aggregate classification (germline): Conflicting classifications of pathogenicity. Review status: criteria provided, conflicting classifications (1 of 4 stars). 2 submissions from 2 submitters: Uncertain significance (1); Benign (1). Last evaluated 2026-01-13.

Conditions:
KMT2E-related disorder. Also called: KMT2E-related condition.

Allele frequency attached by ClinVar (database versions not stated): gnomAD exomes 0.00001; ExAC 0.00002; gnomAD 0.00009; TOPMed 0.00020; 1000 Genomes Project 0.00040; 1000 Genomes Project 30x 0.00047.
gnomAD v4.1: 29 of 1,544,138 alleles (0.0019%); highest among the groups gnomAD compares: Admixed American, 0.037%; no homozygotes.

Submissions (2):

Labcorp Genetics (formerly Invitae), Labcorp
Classification: Benign. Last evaluated: 2026-01-13. Review status: criteria provided, single submitter. Criteria: Invitae Variant Classification Sherloc (09022015). Collection method: clinical testing. Allele origin: germline.

PreventionGenetics, part of Exact Sciences
Classification: Uncertain significance for KMT2E-related condition. Last evaluated: 2025-09-30. Review status: criteria provided, single submitter. Criteria: ACMG Guidelines, 2015. Collection method: clinical testing. Allele origin: germline.
Comment: The KMT2E c.1313A>G variant is predicted to result in the amino acid substitution p.Lys438Arg. To our knowledge, this variant has not been reported in the literature. This variant is reported in 0.0067% of alleles in individuals of Latino descent in gnomAD. At this time, the clinical significance of this variant is uncertain due to the absence of conclusive functional and genetic evidence.